The following is an entry in ClinVar:

ClinVar aggregate classification (germline): Pathogenic (1 of 4 stars; one submission).

Submission:

Labcorp Genetics (formerly Invitae), Labcorp
Classification: Pathogenic. Last evaluated: 2021-12-25. Review status: criteria provided, single submitter. Criteria: Invitae Variant Classification Sherloc (09022015). Collection method: clinical testing. Allele origin: germline.
Comment: This variant has not been reported in the literature in individuals affected with DENND5A-related conditions. For these reasons, this variant has been classified as Pathogenic. This variant is not present in population databases (gnomAD no frequency). This sequence change creates a premature translational stop signal (p.Glu1001*) in the DENND5A gene. It is expected to result in an absent or disrupted protein product. Loss-of-function variants in DENND5A are known to be pathogenic (PMID: 27431290, 27866705).

Literature cited by the submitters: PubMed 27431290; PubMed 27866705.

NM_015213.4(DENND5A):c.3001G>T (p.Glu1001Ter)

Gene: DENND5A (DENN domain containing 5A; minus strand). Cytogenetic location: 11p15.4.
Variant type: single nucleotide variant.
Coding change: c.3001G>T on transcript NM_015213.4 (MANE Select); coding-DNA position 3001, G replaced by T.
Protein change: p.Glu1001Ter; replaces glutamic acid 1001 with a stop codon.
Molecular consequence: nonsense. On other transcripts: non-coding transcript variant (1).
Genome position (GRCh38, 1-based): chr11:9,145,672, C>A on the plus strand (G>T on the coding strand, the complement: DENND5A is on the minus strand). VCF-style: chr11-9145672-C-A. GRCh37 (hg19) VCF-style: chr11-9167219-C-A.
Other names: c.3001G>T, p.Glu1001Ter (NM_001243254.2, NM_001348748.1); c.2929G>T, p.Glu977Ter (NM_001348749.2); c.2713G>T, p.Glu905Ter (NM_001348750.2); short protein forms E977*, E1001*, E905*.
Identifiers: ClinVar variation 2060506 (VCV002060506.4), dbSNP rs1400295257, ClinGen allele CA379603472.
Genomic context (GRCh38, chr11:9,145,672, plus strand): 5'-CAAAGCGGCTGTTGCAAACTCAGATCCCCACAGAGCTGTGGCCCCAAATAACACATACCT[C>A]GAAGGTCATCTCTAGCACATTCCTGGGAATCTGCATGATCTGTGTCTCACCCAATTCTCC-3'